The following is an entry in ClinVar:

ClinVar aggregate classification (germline): Uncertain significance (1 of 4 stars; one submission).

Submission:

Ambry Genetics
Classification: Uncertain significance. Last evaluated: 2024-11-21. Review status: criteria provided, single submitter. Criteria: Ambry Variant Classification Scheme 2023. Collection method: clinical testing. Allele origin: germline.
Comment: The p.R78L variant (also known as c.233G>T), located in coding exon 1 of the GALNT12 gene, results from a G to T substitution at nucleotide position 233. The arginine at codon 78 is replaced by leucine, an amino acid with dissimilar properties. This amino acid position is conserved. In addition, this alteration is predicted to be tolerated by in silico analysis. Based on the available evidence, the clinical significance of this variant remains unclear.

NM_024642.5(GALNT12):c.233G>T (p.Arg78Leu)

Gene: GALNT12 (polypeptide N-acetylgalactosaminyltransferase 12; plus strand). Cytogenetic location: 9q22.33.
Variant type: single nucleotide variant.
Coding change: c.233G>T on transcript NM_024642.5 (MANE Select); coding-DNA position 233, G replaced by T.
Protein change: p.Arg78Leu; replaces arginine 78 with leucine.
Molecular consequence: missense variant.
Genome position (GRCh38, 1-based): chr9:98,807,931, G>T. VCF-style: chr9-98807931-G-T. GRCh37 (hg19) VCF-style: chr9-101570213-G-T.
Other names: short protein forms R78L.
Identifiers: ClinVar variation 3518517 (VCV003518517.1).